The following is an entry in ClinVar:

NM_001365088.1(SLC12A6):c.366T>G (p.Tyr122Ter)

Gene: SLC12A6 (solute carrier family 12 member 6; minus strand). Cytogenetic location: 15q14.
Variant type: single nucleotide variant.
Coding change: c.366T>G on transcript NM_001365088.1 (MANE Select); coding-DNA position 366, T replaced by G.
Protein change: p.Tyr122Ter; replaces tyrosine 122 with a stop codon.
Molecular consequence: nonsense.
Genome position (GRCh38, 1-based): chr15:34,260,971, A>C on the plus strand (T>G on the coding strand, the complement: SLC12A6 is on the minus strand). VCF-style: chr15-34260971-A-C. GRCh37 (hg19) VCF-style: chr15-34553172-A-C.
Other names: c.189T>G, p.Tyr63Ter (NM_001042494.2, NM_001042495.2); c.339T>G, p.Tyr113Ter (NM_001042496.2); c.321T>G, p.Tyr107Ter (NM_001042497.2); c.213T>G, p.Tyr71Ter (NM_005135.2); c.366T>G, p.Tyr122Ter (NM_133647.2); short protein forms Y107*, Y113*, Y122*, Y63*, Y71*.
Identifiers: ClinVar variation 1075447 (VCV001075447.7), dbSNP rs2140778033, ClinGen allele CA391614613.
Genomic context (GRCh38, chr15:34,260,971, plus strand): 5'-TCTCCAAAATATTACCTCAAAGAGTGCCAAATTTTTATCAAAATATTCATCTCCTTCTTC[A>C]TAATTGGAATTATTGAGATAAGCATTTCGAGCTTTCTTATGTCCGTCGTCTGGAAAAAAA-3'

ClinVar aggregate classification (germline): Pathogenic (1 of 4 stars; one submission).

Submission:

Labcorp Genetics (formerly Invitae), Labcorp
Classification: Pathogenic. Last evaluated: 2020-03-08. Review status: criteria provided, single submitter. Criteria: Invitae Variant Classification Sherloc (09022015). Collection method: clinical testing. Allele origin: germline.
Comment: Loss-of-function variants in SLC12A6 are known to be pathogenic (PMID: 12368912, 16606917). For these reasons, this variant has been classified as Pathogenic. Algorithms developed to predict the effect of sequence changes on RNA splicing suggest that this variant may create or strengthen a splice site, but this prediction has not been confirmed by published transcriptional studies. This variant has not been reported in the literature in individuals with SLC12A6-related conditions. This variant is not present in population databases (ExAC no frequency). This sequence change creates a premature translational stop signal (p.Tyr122*) in the SLC12A6 gene. It is expected to result in an absent or disrupted protein product.

Literature cited by the submitters: PubMed 12368912; PubMed 16606917.